The following is an entry in ClinVar:

ClinVar aggregate classification (germline): Pathogenic (1 of 4 stars; one submission).

Conditions:
Inborn genetic diseases. Identifiers: MedGen C0950123, MeSH D030342.

Submission:

Ambry Genetics
Classification: Pathogenic for Inborn genetic diseases. Last evaluated: 2020-06-30. Review status: criteria provided, single submitter. Criteria: Ambry Variant Classification Scheme 2023. Collection method: clinical testing. Allele origin: germline.
Comment: The c.7121delT variant, located in coding exon 46 of the DST gene, results from a deletion of one nucleotide at nucleotide position 7121, causing a translational frameshift with a predicted alternate stop codon (p.L2374*). This alteration is expected to result in loss of function by premature protein truncation or nonsense-mediated mRNA decay. As such, this alteration is interpreted as a disease-causing mutation.

NM_001374736.1(DST):c.13478del (p.Phe4492_Leu4493insTer)

Gene: DST (dystonin; minus strand). Cytogenetic location: 6p12.1.
Variant type: Deletion.
Coding change: c.13478del on transcript NM_001374736.1 (MANE Select); coding-DNA position 13478, one base deleted (T; older notation c.13478delT).
Protein change: p.Phe4492_Leu4493insTer.
Molecular consequence: nonsense.
Genome position (GRCh38, 1-based): chr6:56,572,823, A deleted on the plus strand (T on the coding strand, the reverse complement: DST is on the minus strand); the first of 5 consecutive A bases (chr6:56,572,823-56,572,827); deleting any one gives the same sequence. VCF-style (leftmost placement, unchanged base first): chr6-56572822-TA-T. GRCh37 (hg19) VCF-style: chr6-56437620-TA-T.
Other names: c.7121del, p.Phe2373_Leu2374insTer (NM_001144769.5); c.6707del, p.Phe2235_Leu2236insTer (NM_001144770.2); c.13478del, p.Phe4492_Leu4493insTer (NM_001374722.1); c.12845del, p.Phe4281_Leu4282insTer (NM_001374729.1); c.6587del, p.Phe2195_Leu2196insTer (NM_001374730.1, NM_001386100.1, NM_183380.4); c.13505del, p.Phe4501_Leu4502insTer (NM_001374734.1); c.5609del, p.Phe1869_Leu1870insTer (NM_015548.5).
Identifiers: ClinVar variation 1757279 (VCV001757279.2), dbSNP rs2535757044, ClinGen allele CA2580075564.